The following is an entry in ClinVar:

ClinVar aggregate classification (germline): Uncertain significance (1 of 4 stars; one submission).

Conditions:
Cone-rod dystrophy 6 (CORD6). Also called: RETINAL CONE DYSTROPHY 2; Cone dystrophy progressive. Identifiers: Orphanet 1872, MedGen C1866293, MONDO:0011143, OMIM 601777.
Leber congenital amaurosis 1 (LCA1). Also called: AMAUROSIS CONGENITA OF LEBER I; RETINAL BLINDNESS, CONGENITAL; Congenital absence of the rods and cones; Leber's congenital tapetoretinal degeneration; Leber's congenital tapetoretinal dysplasia. Identifiers: Orphanet 65, MedGen C2931258, MONDO:0008764, OMIM 204000.

Allele frequency attached by ClinVar (database versions not stated): gnomAD exomes below 0.00001; TOPMed below 0.00001; ExAC 0.00001.
gnomAD v4.1: 3 of 1,611,906 alleles (0.00019%); highest among the groups gnomAD compares: East Asian, 0.0022%; no homozygotes.

Submission:

Labcorp Genetics (formerly Invitae), Labcorp
Classification: Uncertain significance for Leber congenital amaurosis 1; Cone-rod dystrophy 6. Last evaluated: 2023-07-03. Review status: criteria provided, single submitter. Criteria: Invitae Variant Classification Sherloc (09022015). Collection method: clinical testing. Allele origin: germline.
Comment: This variant is present in population databases (rs754320374, gnomAD 0.0009%). In summary, the available evidence is currently insufficient to determine the role of this variant in disease. Therefore, it has been classified as a Variant of Uncertain Significance. Advanced modeling of protein sequence and biophysical properties (such as structural, functional, and spatial information, amino acid conservation, physicochemical variation, residue mobility, and thermodynamic stability) has been performed at Invitae for this missense variant, however the output from this modeling did not meet the statistical confidence thresholds required to predict the impact of this variant on GUCY2D protein function. ClinVar contains an entry for this variant (Variation ID: 1524378). This variant has not been reported in the literature in individuals affected with GUCY2D-related conditions. This sequence change replaces glycine, which is neutral and non-polar, with valine, which is neutral and non-polar, at codon 978 of the GUCY2D protein (p.Gly978Val).

NM_000180.4(GUCY2D):c.2933G>T (p.Gly978Val)

Gene: GUCY2D (guanylate cyclase 2D, retinal; plus strand). Cytogenetic location: 17p13.1.
Variant type: single nucleotide variant.
Coding change: c.2933G>T on transcript NM_000180.4 (MANE Select); coding-DNA position 2933, G replaced by T.
Protein change: p.Gly978Val; replaces glycine 978 with valine.
Molecular consequence: missense variant.
Genome position (GRCh38, 1-based): chr17:8,015,491, G>T. VCF-style: chr17-8015491-G-T. GRCh37 (hg19) VCF-style: chr17-7918809-G-T.
Other names: short protein forms G978V.
Identifiers: ClinVar variation 1524378 (VCV001524378.6), dbSNP rs754320374, ClinGen allele CA8366256.